The following is an entry in ClinVar:

ClinVar aggregate classification (germline): Benign/Likely benign. Review status: criteria provided, multiple submitters, no conflicts (2 of 4 stars). 3 submissions from 3 submitters: Benign (1); Likely benign (1). 1 of the submissions does not count toward it. Last evaluated 2026-02-01.

Conditions:
Ullrich congenital muscular dystrophy 2 (UCMD2). Identifiers: Orphanet 75840, MedGen C4225314, MONDO:0014654, OMIM 616470.
Bethlem myopathy 2 (BTHLM2). Identifiers: Orphanet 536516, Orphanet 610, MedGen C4225313, MONDO:0034022, OMIM 616471.
COL12A1-related disorder. Also called: COL12A1-related condition.

Allele frequency attached by ClinVar (database versions not stated): gnomAD 0.00034; TOPMed 0.00043; ExAC 0.00076; gnomAD exomes 0.00090; 1000 Genomes Project 30x 0.00141; 1000 Genomes Project 0.00180.
gnomAD v4.1: 344 of 1,610,148 alleles (0.021%); highest among the groups gnomAD compares: East Asian, 0.58%; 3 homozygotes.

Submissions (3):

Labcorp Genetics (formerly Invitae), Labcorp
Classification: Benign for Bethlem myopathy 2; Ullrich congenital muscular dystrophy 2. Last evaluated: 2026-02-01. Review status: criteria provided, single submitter. Criteria: Invitae Variant Classification Sherloc (09022015). Collection method: clinical testing. Allele origin: germline.

Blueprint Genetics
Classification: Likely benign. Last evaluated: 2024-11-18. Review status: criteria provided, single submitter. Criteria: ACMG Guidelines, 2015. Collection method: clinical testing. Allele origin: germline.

PreventionGenetics, part of Exact Sciences
Classification: Benign for COL12A1-related condition. Last evaluated: 2020-09-03. Review status: no assertion criteria provided. Collection method: clinical testing. Allele origin: germline. Not counted in ClinVar's aggregate classification.
Comment: This variant is classified as benign based on ACMG/AMP sequence variant interpretation guidelines (Richards et al. 2015 PMID: 25741868, with internal and published modifications).

NM_004370.6(COL12A1):c.6281C>A (p.Thr2094Asn)

Gene: COL12A1 (collagen type XII alpha 1 chain; minus strand). Cytogenetic location: 6q13.
Variant type: single nucleotide variant.
Coding change: c.6281C>A on transcript NM_004370.6 (MANE Select); coding-DNA position 6281, C replaced by A.
Protein change: p.Thr2094Asn; replaces threonine 2094 with asparagine.
Molecular consequence: missense variant.
Genome position (GRCh38, 1-based): chr6:75,128,355, G>T on the plus strand (C>A on the coding strand, the complement: COL12A1 is on the minus strand). VCF-style: chr6-75128355-G-T. GRCh37 (hg19) VCF-style: chr6-75838071-G-T.
Other names: c.2789C>A, p.Thr930Asn (NM_080645.3); short protein forms T2094N, T930N.
Identifiers: ClinVar variation 259343 (VCV000259343.15), dbSNP rs201567848, ClinGen allele CA3892846.